The following is an entry in ClinVar:

ClinVar aggregate classification (germline): Benign/Likely benign. Review status: criteria provided, multiple submitters, no conflicts (2 of 4 stars). 5 submissions from 5 submitters: Benign (1); Likely benign (4). Last evaluated 2025-10-18.

Conditions:
Brugada syndrome. Also called: Sudden unexplained nocturnal death syndrome; Sudden Unexplained Death Syndrome; Sudden Unexplained Nocturnal Death Syndrome (SUNDS); Sudden unexpected nocturnal death syndrome. Identifiers: Orphanet 130, MedGen C1142166, MONDO:0015263.
Cardiovascular phenotype. Identifiers: MedGen CN230736.

Allele frequency attached by ClinVar (database versions not stated): TOPMed 0.00002; gnomAD 0.00003; gnomAD exomes 0.00006; ExAC 0.00007; ESP Exome Variant Server 0.00008.
gnomAD v4.1: 72 of 1,614,138 alleles (0.0045%); highest among the groups gnomAD compares: Non-Finnish European, 0.0058%; no homozygotes.

Submissions (5):

Labcorp Genetics (formerly Invitae), Labcorp
Classification: Likely benign for Brugada syndrome. Last evaluated: 2025-10-18. Review status: criteria provided, single submitter. Criteria: Invitae Variant Classification Sherloc (09022015). Collection method: clinical testing. Allele origin: germline.

CeGaT Center for Human Genetics Tuebingen
Classification: Likely benign. Last evaluated: 2025-10-01. Review status: criteria provided, single submitter. Criteria: CeGaT Center For Human Genetics Tuebingen Variant Classification Criteria Version 2. Collection method: clinical testing. Allele origin: germline. Affected: yes. Observed: 2 variant alleles.
Comment: SCN10A: BP4, BP7

Women's Health and Genetics/Laboratory Corporation of America, LabCorp
Classification: Benign. Last evaluated: 2024-04-28. Review status: criteria provided, single submitter. Criteria: LabCorp Variant Classification Summary - May 2015. Collection method: clinical testing. Allele origin: germline.

GeneDx
Classification: Likely benign. Last evaluated: 2021-05-12. Review status: criteria provided, single submitter. Criteria: GeneDx Variant Classification Process June 2021. Collection method: clinical testing. Allele origin: germline. Affected: yes.

Ambry Genetics
Classification: Likely benign for Cardiovascular phenotype. Last evaluated: 2019-04-12. Review status: criteria provided, single submitter. Criteria: Ambry Variant Classification Scheme 2023. Collection method: clinical testing. Allele origin: germline.

NM_006514.4(SCN10A):c.3990T>G (p.Ser1330=)

Gene: SCN10A (sodium voltage-gated channel alpha subunit 10; minus strand). Cytogenetic location: 3p22.2.
Variant type: single nucleotide variant.
Coding change: c.3990T>G on transcript NM_006514.4 (MANE Select); coding-DNA position 3990, T replaced by G.
Protein change: p.Ser1330=; no amino-acid change (serine 1330 retained).
Molecular consequence: synonymous variant.
Genome position (GRCh38, 1-based): chr3:38,712,260, A>C on the plus strand (T>G on the coding strand, the complement: SCN10A is on the minus strand). VCF-style: chr3-38712260-A-C. GRCh37 (hg19) VCF-style: chr3-38753751-A-C.
Other names: c.3987T>G, p.Ser1329= (NM_001293306.2); c.3696T>G, p.Ser1232= (NM_001293307.2).
Identifiers: ClinVar variation 512869 (VCV000512869.32), dbSNP rs149685953, ClinGen allele CA2320057.
Genomic context (GRCh38, chr3:38,712,260, plus strand): 5'-AAAGTTGACTTTCACATTGACCCAGAAGAAGCTGCCAGTGGAGTTTTGAATCTTGCAGTC[A>C]GACTTGTTATTCACAATCGACAAAGGTACAAGGGAAAACTCTCCATCGGTATAGTTGATG-3'
Protein context (NP_006505.4, residues 1320-1340): LVPLSIVNNK[Ser1330=]DCKIQNSTGS